The following is an entry in ClinVar:

ClinVar aggregate classification (germline): Likely pathogenic (1 of 4 stars; one submission).

Conditions:
Duchenne muscular dystrophy (DMD). Also called: Duchenne Muscular Dystrophy (DMD); MUSCULAR DYSTROPHY, PSEUDOHYPERTROPHIC PROGRESSIVE, DUCHENNE TYPE. Identifiers: Orphanet 98896, MedGen C0013264, MONDO:0010679, OMIM 310200.

Submission:

Labcorp Genetics (formerly Invitae), Labcorp
Classification: Likely pathogenic for Duchenne muscular dystrophy. Last evaluated: 2022-01-12. Review status: criteria provided, single submitter. Criteria: Invitae Variant Classification Sherloc (09022015). Collection method: clinical testing. Allele origin: germline.
Comment: This variant results in a copy number gain of the genomic region encompassing exon(s) 46-50 of the DMD gene. While the exact position of this variant cannot be determined from the data, sub-genic copy number gains are generally in tandem (PMID: 25640679). This variant is predicted to be out-of-frame, and may result in an absent or disrupted protein product. Loss-of-function variants in DMD are known to be pathogenic (PMID: 16770791, 25007885). This variant has not been reported in the literature in individuals affected with DMD-related conditions. In summary, the currently available evidence indicates that the variant is pathogenic, but additional data are needed to prove that conclusively. Therefore, this variant has been classified as Likely Pathogenic.

Literature cited by the submitters: PubMed 25640679; PubMed 16770791; PubMed 25007885.

NC_000023.10:g.(?_31838072)_(31983146_?)dup

Genes: DMD (dystrophin; minus strand), LOC129391296 (MPRA-validated peak7373 silencer; plus strand). Cytogenetic location: Xp21.1.
Variant type: Duplication.
Identifiers: ClinVar variation 526175 (VCV000526175.9).